The following is an entry in ClinVar:

NM_007294.4(BRCA1):c.1120del (p.Thr374fs)

Gene: BRCA1 (BRCA1 DNA repair associated; minus strand). Cytogenetic location: 17q21.31.
Variant type: Deletion.
Coding change: c.1120del on transcript NM_007294.4 (MANE Select); coding-DNA position 1120, one base deleted (A; older notation c.1120delA).
Protein change: p.Thr374fs; shifts the reading frame from threonine 374.
Molecular consequence: frameshift variant. On other transcripts: intron variant (137).
Genome position (GRCh38, 1-based): chr17:43,094,411, T deleted on the plus strand (A on the coding strand, the reverse complement: BRCA1 is on the minus strand); the first of 2 consecutive T bases (chr17:43,094,411-43,094,412); deleting either gives the same sequence. VCF-style (leftmost placement, unchanged base first): chr17-43094410-GT-G. GRCh37 (hg19) VCF-style: chr17-41246427-GT-G.
Other names: c.1120delA (NM_007294.3); c.1117del, p.Thr373fs (NM_001407610.1, NM_001407611.1, NM_001407612.1 and 22 more transcripts); c.1120del, p.Thr374fs (NM_001407616.1, NM_001407617.1, NM_001407618.1 and 30 more transcripts); c.1111del, p.Thr371fs (NM_001407646.1, NM_001407647.1); c.997del, p.Thr333fs (NM_001407648.1, NM_001407664.1, NM_001407665.1 and 19 more transcripts); c.994del, p.Thr332fs (NM_001407649.1, NM_001407670.1, NM_001407671.1 and 11 more transcripts); c.1042del, p.Thr348fs (NM_001407653.1, NM_001407654.1, NM_001407655.1 and 4 more transcripts); c.1039del, p.Thr347fs (NM_001407659.1, NM_001407660.1, NM_001407661.1 and 1 more transcripts); and 41 more; short protein forms T327fs, T374fs, T262fs, T303fs, T333fs, T263fs, T304fs, T307fs.
Identifiers: ClinVar variation 1797697 (VCV001797697.2), dbSNP rs2552222026, ClinGen allele CA658761289.

ClinVar aggregate classification (germline): Pathogenic (1 of 4 stars; one submission).

Conditions:
Hereditary cancer-predisposing syndrome. Also called: Neoplastic Syndromes, Hereditary; Tumor predisposition; Hereditary Cancer Syndrome; Hereditary neoplastic syndrome. Identifiers: Orphanet 140162, MedGen C0027672, MeSH D009386, MONDO:0015356.

Submission:

Ambry Genetics
Classification: Pathogenic for Hereditary cancer-predisposing syndrome. Last evaluated: 2021-01-28. Review status: criteria provided, single submitter. Criteria: Ambry Variant Classification Scheme 2023. Collection method: clinical testing. Allele origin: germline.
Comment: The c.1120delA pathogenic mutation, located in coding exon 9 of the BRCA1 gene, results from a deletion of one nucleotide at nucleotide position 1120, causing a translational frameshift with a predicted alternate stop codon (p.T374Hfs*2). This alteration, designated 1239delA, was detected in a cohort of 320 Japanese patients with a strong family history of breast cancer (Nakamura S et al. Breast Cancer, 2015 Sep;22:462-8). In addition to the clinical data presented in the literature, this alteration is expected to result in loss of function by premature protein truncation or nonsense-mediated mRNA decay. As such, this alteration is interpreted as a disease-causing mutation.

Literature cited by the submitters: PubMed 24249303.